The following is an entry in ClinVar:

ClinVar aggregate classification (germline): Likely benign. Review status: criteria provided, multiple submitters, no conflicts (2 of 4 stars). 4 submissions from 4 submitters: Likely benign (4). Last evaluated 2026-01-11.

Allele frequency attached by ClinVar (database versions not stated): TOPMed 0.00005; gnomAD 0.00006; gnomAD exomes 0.00006 and 0.00007; ExAC 0.00008; ESP Exome Variant Server 0.00015.
gnomAD v4.1: 104 of 1,614,092 alleles (0.0064%); highest among the groups gnomAD compares: Non-Finnish European, 0.0086%; no homozygotes.

Submissions (4):

Labcorp Genetics (formerly Invitae), Labcorp
Classification: Likely benign. Last evaluated: 2026-01-11. Review status: criteria provided, single submitter. Criteria: Invitae Variant Classification Sherloc (09022015). Collection method: clinical testing. Allele origin: germline.

CeGaT Center for Human Genetics Tuebingen
Classification: Likely benign. Last evaluated: 2025-12-01. Review status: criteria provided, single submitter. Criteria: CeGaT Center For Human Genetics Tuebingen Variant Classification Criteria Version 2. Collection method: clinical testing. Allele origin: germline. Affected: yes. Observed: 3 variant alleles.
Comment: POLH: BP4, BP7

Laboratory of Genetics, Children's Clinical University Hospital Latvia
Classification: Likely benign. Last evaluated: 2025-02-16. Review status: criteria provided, single submitter. Criteria: ACMG Guidelines, 2015. Collection method: clinical testing. Allele origin: germline. Affected: yes.

Blueprint Genetics
Classification: Likely benign. Last evaluated: 2024-03-19. Review status: criteria provided, single submitter. Criteria: ACMG Guidelines, 2015. Collection method: clinical testing. Allele origin: germline.

NM_006502.3(POLH):c.1990T>C (p.Leu664=)

Gene: POLH (DNA polymerase eta; plus strand). Cytogenetic location: 6p21.1.
Variant type: single nucleotide variant.
Coding change: c.1990T>C on transcript NM_006502.3 (MANE Select); coding-DNA position 1990, T replaced by C.
Protein change: p.Leu664=; no amino-acid change (leucine 664 retained).
Molecular consequence: synonymous variant. On other transcripts: 3 prime UTR variant (1).
Genome position (GRCh38, 1-based): chr6:43,614,405, T>C. VCF-style: chr6-43614405-T-C. GRCh37 (hg19) VCF-style: chr6-43582142-T-C.
Other names: c.1618T>C, p.Leu540= (NM_001291969.2); c.*674T>C (NM_001291970.2).
Identifiers: ClinVar variation 715798 (VCV000715798.28), dbSNP rs373529999, ClinGen allele CA3827342.
Genomic context (GRCh38, chr6:43,614,405, plus strand): 5'-GTATGGGATATGCCAGAACACATGGACTATCATTTTGCATTGGAGTTGCAGAAATCCTTT[T>C]TGCAGCCCCACTCTTCAAACCCCCAGGTTGTTTCTGCCGTATCTCATCAAGGCAAAAGAA-3'
Protein context (NP_006493.1, residues 654-674): HFALELQKSF[Leu664=]QPHSSNPQVV